The following is an entry in ClinVar:

NM_000302.4(PLOD1):c.901G>A (p.Val301Met)

Gene: PLOD1 (procollagen-lysine,2-oxoglutarate 5-dioxygenase 1; plus strand). Cytogenetic location: 1p36.22.
Variant type: single nucleotide variant.
Coding change: c.901G>A on transcript NM_000302.4 (MANE Select); coding-DNA position 901, G replaced by A.
Protein change: p.Val301Met; replaces valine 301 with methionine.
Molecular consequence: missense variant.
Genome position (GRCh38, 1-based): chr1:11,958,573, G>A. VCF-style: chr1-11958573-G-A. GRCh37 (hg19) VCF-style: chr1-12018630-G-A.
Other names: c.1042G>A, p.Val348Met (NM_001316320.2); short protein forms V301M, V348M.
Identifiers: ClinVar variation 4139853 (VCV004139853.1).

ClinVar aggregate classification (germline): Uncertain significance (1 of 4 stars; one submission).

Conditions:
Familial thoracic aortic aneurysm and aortic dissection (TAAD). Also called: Thoracic aortic aneurysms and dissections. Identifiers: Orphanet 91387, MedGen C4707243, MONDO:0019625.

gnomAD v4.1: 5 of 1,614,088 alleles (0.00031%); highest among the groups gnomAD compares: Non-Finnish European, 0.00042%; no homozygotes.

Submission:

Ambry Genetics
Classification: Uncertain significance for Familial thoracic aortic aneurysm and aortic dissection. Last evaluated: 2025-08-31. Review status: criteria provided, single submitter. Criteria: Ambry Variant Classification Scheme 2023. Collection method: clinical testing. Allele origin: germline.
Comment: The p.V301M variant (also known as c.901G>A), located in coding exon 9 of the PLOD1 gene, results from a G to A substitution at nucleotide position 901. The valine at codon 301 is replaced by methionine, an amino acid with highly similar properties. This amino acid position is conserved. In addition, this alteration is predicted to be tolerated by in silico analysis. Based on the available evidence, the clinical significance of this variant remains unclear.